The following is an entry in ClinVar:

ClinVar aggregate classification (germline): Uncertain significance (1 of 4 stars; one submission).

Conditions:
Hyperphosphatasia with impaired intellectual development syndrome 2. Also called: Hyperphosphatasia with intellectual disability syndrome 2; GLYCOSYLPHOSPHATIDYLINOSITOL BIOSYNTHESIS DEFECT 6. Identifiers: Orphanet 247262, MedGen C3553637, MONDO:0013882, OMIM 614749.

Allele frequency attached by ClinVar (database versions not stated): gnomAD exomes below 0.00001.
gnomAD v4.1: 1 of 1,614,028 alleles (0.000062%); highest among the groups gnomAD compares: Admixed American, 0.0017%; no homozygotes.

Submission:

Labcorp Genetics (formerly Invitae), Labcorp
Classification: Uncertain significance for Hyperphosphatasia with impaired intellectual development syndrome 2. Last evaluated: 2021-08-24. Review status: criteria provided, single submitter. Criteria: Invitae Variant Classification Sherloc (09022015). Collection method: clinical testing. Allele origin: germline.
Comment: This sequence change replaces threonine with alanine at codon 776 of the PIGO protein (p.Thr776Ala). The threonine residue is moderately conserved and there is a small physicochemical difference between threonine and alanine. This variant is not present in population databases (ExAC no frequency). This variant has not been reported in the literature in individuals affected with PIGO-related conditions. Algorithms developed to predict the effect of missense changes on protein structure and function (SIFT, PolyPhen-2, Align-GVGD) all suggest that this variant is likely to be tolerated. In summary, the available evidence is currently insufficient to determine the role of this variant in disease. Therefore, it has been classified as a Variant of Uncertain Significance.

NM_032634.4(PIGO):c.2326A>G (p.Thr776Ala)

Gene: PIGO (phosphatidylinositol glycan anchor biosynthesis class O; minus strand). Cytogenetic location: 9p13.3.
Variant type: single nucleotide variant.
Coding change: c.2326A>G on transcript NM_032634.4 (MANE Select); coding-DNA position 2326, A replaced by G.
Protein change: p.Thr776Ala; replaces threonine 776 with alanine.
Molecular consequence: missense variant. On other transcripts: intron variant (2).
Genome position (GRCh38, 1-based): chr9:35,091,561, T>C on the plus strand (A>G on the coding strand, the complement: PIGO is on the minus strand). VCF-style: chr9-35091561-T-C. GRCh37 (hg19) VCF-style: chr9-35091558-T-C.
Other names: c.1345-270A>G (NM_152850.4, NM_001201484.2); short protein forms T776A.
Identifiers: ClinVar variation 953474 (VCV000953474.6), dbSNP rs1829419277, ClinGen allele CA373320217.